The following is an entry in ClinVar:

NM_198253.3(TERT):c.1931C>T (p.Thr644Met)

Gene: TERT (telomerase reverse transcriptase; minus strand). Cytogenetic location: 5p15.33.
Variant type: single nucleotide variant.
Coding change: c.1931C>T on transcript NM_198253.3 (MANE Select); coding-DNA position 1931, C replaced by T.
Protein change: p.Thr644Met; replaces threonine 644 with methionine.
Molecular consequence: missense variant. On other transcripts: non-coding transcript variant (2).
Genome position (GRCh38, 1-based): chr5:1,280,177, G>A on the plus strand (C>T on the coding strand, the complement: TERT is on the minus strand). VCF-style: chr5-1280177-G-A. GRCh37 (hg19) VCF-style: chr5-1280292-G-A.
Other names: c.1931C>T, p.Thr644Met (NM_001193376.3); short protein forms T644M.
Identifiers: ClinVar variation 410674 (VCV000410674.22), dbSNP rs201927653, ClinGen allele CA3184726.

ClinVar aggregate classification (germline): Conflicting classifications of pathogenicity. Review status: criteria provided, conflicting classifications (1 of 4 stars). 7 submissions from 7 submitters: Uncertain significance (6); Likely benign (1). Last evaluated 2026-06-29.

Conditions:
Dyskeratosis congenita, autosomal dominant 2. Identifiers: MedGen C3151443, MONDO:0013521, OMIM 613989.
Idiopathic Pulmonary Fibrosis. Also called: Idiopathic fibrosing alveolitis, chronic form; idiopathic fibrosing alveolitis. Identifiers: Orphanet 2032, MedGen C1800706, MeSH D054990, MONDO:0800504.
Chronic obstructive pulmonary disease. Also called: Chronic pulmonary obstruction. Identifiers: MedGen C0024117, MeSH D029424, MONDO:0005002, OMIM 606963, HP:0006510.
Decreased circulating immunoglobulin concentration. Also called: Decreased antibody level in blood; Decreased circulating antibody concentration. Identifiers: MedGen C4048270, HP:0004313.
Chronic diarrhea. Identifiers: MedGen C0401151, MONDO:0044751, HP:0002028.
Immunodeficiency. Identifiers: MedGen C0021051, MONDO:0021094, HP:0002721.
TERT-related disorder. Also called: TERT-related disorders; TERT-related condition.
Interstitial lung disease 2 (ILD2). Also called: Familial idiopathic pulmonary fibrosis; FIBROCYSTIC PULMONARY DYSPLASIA; FIBROSING ALVEOLITIS, CRYPTOGENIC. Identifiers: Orphanet 2032, Orphanet 79126, MedGen C5561926, MONDO:0800497, OMIM 178500, MONDO:0800029.
Melanoma, cutaneous malignant, susceptibility to, 9. Also called: Cutaneous malignant melanoma 9. Identifiers: Orphanet 618, MedGen C3554574, MONDO:0014056, OMIM 615134.
Aplastic anemia. Identifiers: Orphanet 88, MedGen C0002874, MONDO:0015909, OMIM 609135, HP:0001915, Orphanet 182040.
Dyskeratosis congenita, autosomal dominant 1 (DKCA1). Also called: Dyskeratosis congenita Scoggins type. Identifiers: Orphanet 1775, MedGen C4551974, MONDO:0007485, OMIM 127550. Inheritance: Variable.
Acute myeloid leukemia (AML). Also called: Leukemia, acute myeloid, somatic; Leukemia, acute myelogenous, somatic; Acute myeloid leukemia, adult; AML adult; Acute non-lymphocytic leukemia; Acute granulocytic leukemia. Identifiers: Orphanet 519, MedGen C0023467, MeSH D015470, MONDO:0018874, OMIM 601626, HP:0004808. Disease mechanism: Constitutively activated FLT3.
Pulmonary fibrosis and/or bone marrow failure, Telomere-related, 1. Also called: PULMONARY FIBROSIS AND/OR BONE MARROW FAILURE SYNDROME, TELOMERE-RELATED, 1. Identifiers: Orphanet 88, MedGen C3553617, MONDO:0013878, OMIM 614742.
Dyskeratosis congenita. Identifiers: Orphanet 1775, MedGen C0265965, MONDO:0015780.

Allele frequency attached by ClinVar (database versions not stated): gnomAD exomes 0.00002 and 0.00006; ExAC 0.00006; ESP Exome Variant Server 0.00008; 1000 Genomes Project 30x 0.00016; TOPMed 0.00019; 1000 Genomes Project 0.00020; gnomAD 0.00020 and 0.00023.
gnomAD v4.1: 57 of 1,614,100 alleles (0.0035%); highest among the groups gnomAD compares: African/African-American, 0.06%; no homozygotes.

Submissions (7):

PreventionGenetics, part of Exact Sciences
Classification: Uncertain significance for TERT-related condition. Last evaluated: 2026-06-29. Review status: criteria provided, single submitter. Criteria: ACMG Guidelines, 2015. Collection method: clinical testing. Allele origin: germline.
Comment: The TERT c.1931C>T variant is predicted to result in the amino acid substitution p.Thr644Met. This variant has been reported in individuals with idiopathic pulmonary fibrosis or a suspected telomeropathy (Reported as T644M, Dai et al. 2015. PubMed ID: 25346280; Supplementary Data, Gutierrez-Rodrigues et al 2018. PubMed ID: 30523342). This variant is reported in 0.060% of alleles in individuals of African descent in gnomAD. This variant has conflicting interpretations in ClinVar from uncertain significance to likely benign (Variation ID: 410674). At this time, the clinical significance of this variant is uncertain due to the absence of conclusive functional and genetic evidence.

Labcorp Genetics (formerly Invitae), Labcorp
Classification: Likely benign for Dyskeratosis congenita, autosomal dominant 2; Idiopathic Pulmonary Fibrosis. Last evaluated: 2025-09-23. Review status: criteria provided, single submitter. Criteria: Invitae Variant Classification Sherloc (09022015). Collection method: clinical testing. Allele origin: germline.

Ambry Genetics
Classification: Uncertain significance for Dyskeratosis congenita. Last evaluated: 2024-08-29. Review status: criteria provided, single submitter. Criteria: Ambry Variant Classification Scheme 2023. Collection method: clinical testing. Allele origin: germline.
Comment: The p.T644M variant (also known as c.1931C>T), located in coding exon 4 of the TERT gene, results from a C to T substitution at nucleotide position 1931. The threonine at codon 644 is replaced by methionine, an amino acid with similar properties. This variant was reported in multiple individuals with features consistent with TERT-related disorder (Dai J et al. Respirology, 2015 Jan;20:122-8; Gutierrez-Rodrigues F et al. Genet Med, 2019 Jul;21:1594-1602; Kapuria D et al. Hepatology, 2019 Jun;69:2579-2585). This amino acid position is poorly conserved in available vertebrate species. In addition, the in silico prediction for this alteration is inconclusive. Based on the available evidence, the clinical significance of this variant remains unclear.

Baylor Genetics
Classification: Uncertain significance for Dyskeratosis congenita, autosomal dominant 2. Last evaluated: 2024-03-28. Review status: criteria provided, single submitter. Criteria: ACMG Guidelines, 2015. Collection method: clinical testing. Allele origin: unknown.

GeneDx
Classification: Uncertain significance. Last evaluated: 2023-11-30. Review status: criteria provided, single submitter. Criteria: GeneDx Variant Classification Process June 2021. Collection method: clinical testing. Allele origin: germline. Affected: yes.
Comment: In silico analysis supports that this missense variant does not alter protein structure/function; This variant is associated with the following publications: (PMID: 25346280, 30523342)

Fulgent Genetics
Classification: Uncertain significance for Dyskeratosis congenita, autosomal dominant 1; Interstitial lung disease 2; Acute myeloid leukemia; Aplastic anemia; Dyskeratosis congenita, autosomal dominant 2; Pulmonary fibrosis and/or bone marrow failure, Telomere-related, 1; Melanoma, cutaneous malignant, susceptibility to, 9. Last evaluated: 2021-08-26. Review status: criteria provided, single submitter. Criteria: ACMG Guidelines, 2015. Collection method: clinical testing. Allele origin: unknown.

Laboratorio de Genetica e Diagnostico Molecular, Hospital Israelita Albert Einstein
Classification: Uncertain significance for Immunodeficiency; Decreased circulating immunoglobulin concentration; Chronic diarrhea; Chronic obstructive pulmonary disease. Last evaluated: 2021-07-29. Review status: criteria provided, single submitter. Criteria: ACMG Guidelines, 2015. Collection method: clinical testing. Allele origin: germline. Affected: yes.
Comment: ACMG classification criteria: PS4 supporting, PP2 supporting, BP4 supporting

Literature cited by the submitters: PubMed 25346280 (cited by Ambry Genetics); PubMed 30523342 (cited by Ambry Genetics); PubMed 30791107 (cited by Ambry Genetics).